The following is an entry in ClinVar:

NM_000049.4(ASPA):c.821G>A (p.Gly274Glu)

Genes: ASPA (aspartoacylase; plus strand), SPATA22 (spermatogenesis associated 22; minus strand). Cytogenetic location: 17p13.2.
Variant type: single nucleotide variant.
Coding change: c.821G>A on transcript NM_000049.4 (MANE Select); coding-DNA position 821, G replaced by A.
Protein change: p.Gly274Glu; replaces glycine 274 with glutamic acid.
Molecular consequence: missense variant. On other transcripts: intron variant (2).
Genome position (GRCh38, 1-based): chr17:3,498,967, G>A. VCF-style: chr17-3498967-G-A. GRCh37 (hg19) VCF-style: chr17-3402261-G-A.
Other names: c.-74+14445C>T (NM_001321336.2, NM_001321337.2); c.821G>A, p.Gly274Glu (NM_001128085.1); short protein forms G274E.
Identifiers: ClinVar variation 1478536 (VCV001478536.9), dbSNP rs2150764080, ClinGen allele CA397687528.

ClinVar aggregate classification (germline): Conflicting classifications of pathogenicity. Review status: criteria provided, conflicting classifications (1 of 4 stars). 3 submissions from 3 submitters: Likely pathogenic (1); Uncertain significance (2). Last evaluated 2026-06-11.

Conditions:
Spongy degeneration of central nervous system. Also called: ACY2 DEFICIENCY; AMINOACYLASE 2 DEFICIENCY; ASP DEFICIENCY; ASPA DEFICIENCY; ASPARTOACYLASE DEFICIENCY; CANAVAN-VAN BOGAERT-BERTRAND DISEASE. Identifiers: Orphanet 141, MedGen C0206307, MONDO:0010079, OMIM 271900.

gnomAD v4.1: 1 of 1,614,088 alleles (0.000062%); highest among the groups gnomAD compares: Non-Finnish European, 0.000085%; no homozygotes.

Submissions (3):

Myriad Genetics, Inc.
Classification: Uncertain significance for Spongy degeneration of central nervous system. Last evaluated: 2026-06-11. Review status: criteria provided, single submitter. Criteria: Myriad Autosomal Dominant, Autosomal Recessive and X-Linked Classification Criteria (2023). Collection method: clinical testing. Allele origin: unknown.
Comment: NM_000049.2(ASPA):c.821G>A(G274E) is a missense variant classified as a variant of uncertain significance in the context of Canavan disease. G274E has not been observed in cases with relevant disease. Relevant functional assessments of this variant are not available in the literature. G274E has not been observed in referenced population frequency databases. In summary, there is insufficient evidence to classify NM_000049.2(ASPA):c.821G>A(G274E) as pathogenic or benign. Please note: this variant was assessed in the context of healthy population screening.

Women's Health and Genetics/Laboratory Corporation of America, LabCorp
Classification: Uncertain significance. Last evaluated: 2025-12-18. Review status: criteria provided, single submitter. Criteria: LabCorp Variant Classification Summary - May 2015. Collection method: clinical testing. Allele origin: germline.
Comment: Variant summary: ASPA c.821G>A (p.Gly274Glu) results in a non-conservative amino acid change in the encoded protein sequence. Algorithms developed to predict the effect of missense changes on protein structure and function all suggest that this variant is likely to be disruptive. The variant was absent in 251168 control chromosomes. The available data on variant occurrences in the general population are insufficient to allow any conclusion about variant significance. To our knowledge, no occurrence of c.821G>A in individuals affected with ASPA-related conditions and no experimental evidence demonstrating its impact on protein function have been reported. A different variant affecting the same codon has been classified as pathogenic by our lab (c.820G>A, p.Gly274Arg), supporting the critical relevance of codon 274 to ASPA protein function. ClinVar contains an entry for this variant (Variation ID: 1478536). Based on the evidence outlined above, the variant was classified as uncertain significance.

Labcorp Genetics (formerly Invitae), Labcorp
Classification: Likely pathogenic for Spongy degeneration of central nervous system. Last evaluated: 2023-06-28. Review status: criteria provided, single submitter. Criteria: Invitae Variant Classification Sherloc (09022015). Collection method: clinical testing. Allele origin: germline.
Comment: In summary, the currently available evidence indicates that the variant is pathogenic, but additional data are needed to prove that conclusively. Therefore, this variant has been classified as Likely Pathogenic. This variant disrupts the p.Gly274 amino acid residue in ASPA. Other variant(s) that disrupt this residue have been determined to be pathogenic (PMID: 7668285, 16138249, 22219087, 27457812). This suggests that this residue is clinically significant, and that variants that disrupt this residue are likely to be disease-causing. Advanced modeling of protein sequence and biophysical properties (such as structural, functional, and spatial information, amino acid conservation, physicochemical variation, residue mobility, and thermodynamic stability) has been performed at Invitae for this missense variant, however the output from this modeling did not meet the statistical confidence thresholds required to predict the impact of this variant on ASPA protein function. This variant has not been reported in the literature in individuals affected with ASPA-related conditions. This variant is not present in population databases (gnomAD no frequency). This sequence change replaces glycine, which is neutral and non-polar, with glutamic acid, which is acidic and polar, at codon 274 of the ASPA protein (p.Gly274Glu).

Literature cited by the submitters: PubMed 7668285 (cited by Labcorp Genetics (formerly Invitae), Labcorp); PubMed 16138249 (cited by Labcorp Genetics (formerly Invitae), Labcorp); PubMed 22219087 (cited by Labcorp Genetics (formerly Invitae), Labcorp); PubMed 27457812 (cited by Labcorp Genetics (formerly Invitae), Labcorp).